The following is an entry in ClinVar:

ClinVar aggregate classification (germline): Uncertain significance (1 of 4 stars; one submission).

Submission:

GeneDx
Classification: Uncertain significance. Last evaluated: 2016-07-27. Review status: criteria provided, single submitter. Criteria: GeneDx Variant Classification (06012015). Collection method: clinical testing. Allele origin: germline. Affected: yes.
Comment: The R400G variant in the ATP2B3 gene has not been reported previously as a pathogenic variant, nor as a benign variant, to our knowledge. The R400G variant was not observed in approximately 6500 individuals of European and African American ancestry in the NHLBI Exome Sequencing Project, indicating it is not a common benign variant in these populations. The R400G variant is a non-conservative amino acid substitution, which is likely to impact secondary protein structure as these residues differ in polarity, charge, size and/or other properties. This substitution occurs at a position where amino acids with similar properties to Arginine are tolerated across species. In silico analysis predicts this variant is probably damaging to the protein structure/function. We interpret R400G as a variant of uncertain significance.

NM_001001344.3(ATP2B3):c.1198C>G (p.Arg400Gly)

Gene: ATP2B3 (ATPase plasma membrane Ca2+ transporting 3; plus strand). Cytogenetic location: Xq28.
Variant type: single nucleotide variant.
Coding change: c.1198C>G on transcript NM_001001344.3 (MANE Select); coding-DNA position 1198, C replaced by G.
Protein change: p.Arg400Gly; replaces arginine 400 with glycine.
Molecular consequence: missense variant.
Genome position (GRCh38, 1-based): chrX:153,548,714, C>G. VCF-style: chrX-153548714-C-G. GRCh37 (hg19) VCF-style: chrX-152814172-C-G.
Other names: c.1198C>G, p.Arg400Gly (NM_001388360.1, NM_001388361.1, NM_001388362.1 and 1 more transcripts); short protein forms R400G.
Identifiers: ClinVar variation 387901 (VCV000387901.2), dbSNP rs1057522935, ClinGen allele CA16609135.